The following is an entry in ClinVar:

ClinVar aggregate classification (germline): Uncertain significance (1 of 4 stars; one submission).

Submission:

GeneDx
Classification: Uncertain significance. Last evaluated: 2026-02-28. Review status: criteria provided, single submitter. Criteria: GeneDx Variant Classification Process June 2021. Collection method: clinical testing. Allele origin: germline.
Comment: Not observed at significant frequency in large population cohorts (gnomAD); In silico analysis suggests that this missense variant does not alter protein structure/function; Has not been previously published as pathogenic or benign to our knowledge

NM_000719.7(CACNA1C):c.6322G>A (p.Ala2108Thr)

Genes: CACNA1C (calcium voltage-gated channel subunit alpha1 C; plus strand), CACNA1C-AS1 (CACNA1C antisense RNA 1; minus strand). Cytogenetic location: 12p13.33.
Variant type: single nucleotide variant.
Coding change: c.6322G>A on transcript NM_000719.7 (MANE Select); coding-DNA position 6322, G replaced by A.
Protein change: p.Ala2108Thr; replaces alanine 2108 with threonine.
Molecular consequence: missense variant. On other transcripts: non-coding transcript variant (1).
Genome position (GRCh38, 1-based): chr12:2,691,104, G>A. VCF-style: chr12-2691104-G-A. GRCh37 (hg19) VCF-style: chr12-2800270-G-A.
Other names: c.6466G>A, p.Ala2156Thr (NM_001129827.2); c.6445G>A, p.Ala2149Thr (NM_001129829.2); c.6427G>A, p.Ala2143Thr (NM_001129830.3, NM_001167624.3); c.6406G>A, p.Ala2136Thr (NM_001129831.2); c.6382G>A, p.Ala2128Thr (NM_001129832.2); c.6379G>A, p.Ala2127Thr (NM_001129833.2, NM_001129834.2, NM_001129835.2); c.6373G>A, p.Ala2125Thr (NM_001129836.2); c.6346G>A, p.Ala2116Thr (NM_001129837.2, NM_001129838.2); and 6 more; short protein forms A2097T, A2105T, A2108T, A2114T, A2116T, A2125T, A2127T, A2128T.
Identifiers: ClinVar variation 3366045 (VCV003366045.2).
Genomic context (GRCh38, chr12:2,691,104, plus strand): 5'-CAGAGCCCCAATGGCGCCCTCTTACCCTTTGTGAACTGCAGGGACGCGGGGCAGGACCGA[G>A]CCGGGGGCGAAGAGGACGCGGGCTGTGTGCGCGCGCGGGGTCGACCGAGTGAGGAGGAGC-3'
Protein context (NP_000710.5, residues 2098-2118): VNCRDAGQDR[Ala2108Thr]GGEEDAGCVR